The following is an entry in ClinVar:

NM_015570.4(AUTS2):c.2251A>C (p.Thr751Pro)

Gene: AUTS2 (activator of transcription and developmental regulator AUTS2; plus strand). Cytogenetic location: 7q11.22.
Variant type: single nucleotide variant.
Coding change: c.2251A>C on transcript NM_015570.4 (MANE Select); coding-DNA position 2251, A replaced by C.
Protein change: p.Thr751Pro; replaces threonine 751 with proline.
Molecular consequence: missense variant.
Genome position (GRCh38, 1-based): chr7:70,785,981, A>C. VCF-style: chr7-70785981-A-C. GRCh37 (hg19) VCF-style: chr7-70250967-A-C.
Other names: c.2179A>C, p.Thr727Pro (NM_001127231.3); c.2251A>C (NM_015570.3); short protein forms T727P, T751P.
Identifiers: ClinVar variation 1189325 (VCV001189325.37), dbSNP rs372998593, ClinGen allele CA4281000.
Genomic context (GRCh38, chr7:70,785,981, plus strand): 5'-CTGACCATTTCCTTCTTCCCCATCTTGTTTGCAGAGCCTTTTAATCGGCCGTCTACATTC[A>C]CAGGCCTAGCAGCAGTTGGTGGCAATGCCTTCGGGGGACTTGGAAATCCTTCCGTTAGTG-3'
Protein context (NP_056385.1, residues 741-761): LEPFNRPSTF[Thr751Pro]GLAAVGGNAF

ClinVar aggregate classification (germline): Benign/Likely benign. Review status: criteria provided, multiple submitters, no conflicts (2 of 4 stars). 10 submissions from 10 submitters: Benign (1); Likely benign (6). 3 of the submissions do not count toward it. Last evaluated 2025-10-28.

Conditions:
AUTS2-related disorder. Also called: AUTS2-related condition.
Intellectual disability. Also called: Intellectual functioning disability; intellectual disabilities; Intellectual developmental disorder. Identifiers: MedGen C3714756, MeSH D008607, MONDO:0001071, HP:0001249.
Inborn genetic diseases. Identifiers: MedGen C0950123, MeSH D030342.

Allele frequency attached by ClinVar (database versions not stated): ESP Exome Variant Server 0.00008; TOPMed 0.00012; gnomAD 0.00014; gnomAD exomes 0.00014; 1000 Genomes Project 30x 0.00016; ExAC 0.00017; 1000 Genomes Project 0.00020.
gnomAD v4.1: 238 of 1,614,100 alleles (0.015%); highest among the groups gnomAD compares: Middle Eastern, 0.58%; 2 homozygotes.

Submissions (10):

Labcorp Genetics (formerly Invitae), Labcorp
Classification: Benign. Last evaluated: 2025-10-28. Review status: criteria provided, single submitter. Criteria: Invitae Variant Classification Sherloc (09022015). Collection method: clinical testing. Allele origin: germline.

Blueprint Genetics
Classification: Likely benign. Last evaluated: 2024-10-09. Review status: criteria provided, single submitter. Criteria: ACMG Guidelines, 2015. Collection method: clinical testing. Allele origin: germline.

CeGaT Center for Human Genetics Tuebingen
Classification: Likely benign. Last evaluated: 2023-08-01. Review status: criteria provided, single submitter. Criteria: CeGaT Center For Human Genetics Tuebingen Variant Classification Criteria Version 2. Collection method: clinical testing. Allele origin: germline. Affected: yes. Observed: 1 variant allele.
Comment: AUTS2: BP4, BS2

Ambry Genetics
Classification: Likely benign for Inborn genetic diseases. Last evaluated: 2021-12-03. Review status: criteria provided, single submitter. Criteria: Ambry Variant Classification Scheme 2023. Collection method: clinical testing. Allele origin: germline.

GeneDx
Classification: Likely benign. Last evaluated: 2021-02-23. Review status: criteria provided, single submitter. Criteria: GeneDx Variant Classification Process June 2021. Collection method: clinical testing. Allele origin: germline. Affected: yes.

Cambridge Genomics Laboratory, East Genomic Laboratory Hub, NHS Genomic Medicine Service
Classification: Likely benign for Intellectual disability. Last evaluated: 2020-05-29. Review status: criteria provided, single submitter. Criteria: ACGS Best Practice Guidelines for Variant Classification in Rare Disease 2020. Collection method: clinical testing. Allele origin: germline. Affected: yes. Observed: 1 variant allele.

Breakthrough Genomics
Classification: Likely benign. Review status: criteria provided, single submitter. Criteria: ACMG Guidelines, 2015. Collection method: not provided. Allele origin: germline. Inheritance: Autosomal dominant inheritance. Affected: yes.

PreventionGenetics, part of Exact Sciences
Classification: Likely benign for AUTS2-related condition. Last evaluated: 2024-07-11. Review status: no assertion criteria provided. Collection method: clinical testing. Allele origin: germline. Not counted in ClinVar's aggregate classification.
Comment: This variant is classified as likely benign based on ACMG/AMP sequence variant interpretation guidelines (Richards et al. 2015 PMID: 25741868, with internal and published modifications).

Clinical Genetics DNA and cytogenetics Diagnostics Lab, Erasmus MC, Erasmus Medical Center
Classification: Likely benign. Review status: no assertion criteria provided. Collection method: clinical testing. Allele origin: germline. Affected: yes. Study: VKGL Data-share Consensus. Not counted in ClinVar's aggregate classification.

Laboratory of Diagnostic Genome Analysis, Leiden University Medical Center (LUMC)
Classification: Likely benign. Review status: no assertion criteria provided. Collection method: clinical testing. Allele origin: germline. Affected: yes. Study: VKGL Data-share Consensus. Not counted in ClinVar's aggregate classification.